The following is an entry in ClinVar:

NM_006947.4(SRP72):c.1838+1G>C

Gene: SRP72 (signal recognition particle 72; plus strand). Cytogenetic location: 4q12.
Variant type: single nucleotide variant.
Coding change: c.1838+1G>C on transcript NM_006947.4 (MANE Select); the canonical splice donor site of the intron after coding-DNA position 1838, G replaced by C.
Molecular consequence: splice donor variant.
Genome position (GRCh38, 1-based): chr4:56,500,696, G>C. VCF-style: chr4-56500696-G-C. GRCh37 (hg19) VCF-style: chr4-57366862-G-C.
Other names: c.1655+1G>C (NM_001267722.2).
Identifiers: ClinVar variation 3344472 (VCV003344472.1).

ClinVar aggregate classification (germline): Uncertain significance (0 of 4 stars; one submission).

Conditions:
SRP72-related disorder. Also called: SRP72-related condition.

Submission:

PreventionGenetics, part of Exact Sciences
Classification: Uncertain significance for SRP72-related condition. Last evaluated: 2024-05-08. Review status: no assertion criteria provided. Collection method: clinical testing. Allele origin: germline.
Comment: The SRP72 c.1838+1G>C variant is predicted to disrupt the GT donor site and interfere with normal splicing. To our knowledge, this variant has not been reported in the literature or in a large population database, indicating this variant is rare. At this time, loss-of-function, including impact on splice sites, is not an established mechanism of SRP72-related disease. Although we suspect that this variant may be pathogenic, at this time, the clinical significance of this variant is uncertain due to the absence of conclusive functional and genetic evidence.